The following is an entry in ClinVar:

ClinVar aggregate classification (germline): Conflicting classifications of pathogenicity. Review status: criteria provided, conflicting classifications (1 of 4 stars). 4 submissions from 4 submitters: Uncertain significance (1); Likely benign (2). 1 of the submissions does not count toward it. Last evaluated 2026-07-01.

Conditions:
PCNT-related disorder. Also called: PCNT-related condition.
Microcephalic osteodysplastic primordial dwarfism type II (MOPD2). Also called: MOPD II; Microcephalic osteodysplastic primordial dwarfism with tooth abnormalities; OSTEODYSPLASTIC PRIMORDIAL DWARFISM, TYPE II. Identifiers: Orphanet 2637, MedGen C0432246, MONDO:0008872, OMIM 210720.

Allele frequency attached by ClinVar (database versions not stated): gnomAD exomes 0.00001 and 0.00003; ExAC 0.00006; TOPMed 0.00011; ESP Exome Variant Server 0.00015; gnomAD 0.00015 and 0.00016; 1000 Genomes Project 30x 0.00016; 1000 Genomes Project 0.00020.
gnomAD v4.1: 37 of 1,582,188 alleles (0.0023%); highest among the groups gnomAD compares: African/African-American, 0.044%; no homozygotes.

Submissions (4):

CeGaT Center for Human Genetics Tuebingen
Classification: Likely benign. Last evaluated: 2026-07-01. Review status: criteria provided, single submitter. Criteria: CeGaT Center For Human Genetics Tuebingen Variant Classification Criteria Version 2. Collection method: clinical testing. Allele origin: germline. Affected: yes. Observed: 1 variant allele.
Comment: PCNT: BP4, BP7

Labcorp Genetics (formerly Invitae), Labcorp
Classification: Likely benign. Last evaluated: 2024-04-08. Review status: criteria provided, single submitter. Criteria: Invitae Variant Classification Sherloc (09022015). Collection method: clinical testing. Allele origin: germline.

Genetic Services Laboratory, University of Chicago
Classification: Uncertain significance for Microcephalic osteodysplastic primordial dwarfism, type II. Last evaluated: 2013-02-08. Review status: criteria provided, single submitter. Criteria: ACMG Guidelines, 2007. Collection method: clinical testing. Allele origin: germline. Inheritance: Autosomal recessive inheritance.

PreventionGenetics, part of Exact Sciences
Classification: Likely benign for PCNT-related condition. Last evaluated: 2023-01-15. Review status: no assertion criteria provided. Collection method: clinical testing. Allele origin: germline. Not counted in ClinVar's aggregate classification.
Comment: This variant is classified as likely benign based on ACMG/AMP sequence variant interpretation guidelines (Richards et al. 2015 PMID: 25741868, with internal and published modifications).

NM_006031.6(PCNT):c.7011T>C (p.Asp2337=)

Gene: PCNT (pericentrin; plus strand). Cytogenetic location: 21q22.3.
Variant type: single nucleotide variant.
Coding change: c.7011T>C on transcript NM_006031.6 (MANE Select); coding-DNA position 7011, T replaced by C.
Protein change: p.Asp2337=; no amino-acid change (aspartic acid 2337 retained).
Molecular consequence: synonymous variant.
Genome position (GRCh38, 1-based): chr21:46,418,293, T>C. VCF-style: chr21-46418293-T-C. GRCh37 (hg19) VCF-style: chr21-47838207-T-C.
Other names: c.6657T>C, p.Asp2219= (NM_001315529.2).
Identifiers: ClinVar variation 159648 (VCV000159648.16), dbSNP rs138506849, ClinGen allele CA251101.